The following is an entry in ClinVar:

ClinVar aggregate classification (germline): Conflicting classifications of pathogenicity. Review status: criteria provided, conflicting classifications (1 of 4 stars). 2 submissions from 2 submitters: Uncertain significance (1); Likely benign (1). Last evaluated 2026-05-01.

gnomAD v4.1: 43 of 1,209,758 alleles (0.0036%); highest among the groups gnomAD compares: Middle Eastern, 0.092%; 1 homozygote.

Submissions (2):

CeGaT Center for Human Genetics Tuebingen
Classification: Likely benign. Last evaluated: 2026-05-01. Review status: criteria provided, single submitter. Criteria: CeGaT Center For Human Genetics Tuebingen Variant Classification Criteria Version 2. Collection method: clinical testing. Allele origin: germline. Affected: yes. Observed: 1 variant allele.
Comment: BCORL1: BP4, BS2

Ambry Genetics
Classification: Uncertain significance. Last evaluated: 2025-12-04. Review status: criteria provided, single submitter. Criteria: Ambry Variant Classification Scheme 2023. Collection method: clinical testing. Allele origin: germline.

NM_001379451.1(BCORL1):c.2228G>A (p.Arg743His)

Gene: BCORL1 (BCL6 corepressor like 1; plus strand). Cytogenetic location: Xq26.1.
Variant type: single nucleotide variant.
Coding change: c.2228G>A on transcript NM_001379451.1 (MANE Select); coding-DNA position 2228, G replaced by A.
Protein change: p.Arg743His; replaces arginine 743 with histidine.
Molecular consequence: missense variant.
Genome position (GRCh38, 1-based): chrX:130,015,000, G>A. VCF-style: chrX-130015000-G-A. GRCh37 (hg19) VCF-style: chrX-129148976-G-A.
Other names: c.2228G>A, p.Arg743His (NM_001184772.3, NM_001379450.1, NM_001441326.1 and 7 more transcripts); short protein forms R743H.
Identifiers: ClinVar variation 4645614 (VCV004645614.3).